The following is an entry in ClinVar:

NM_080680.3(COL11A2):c.2275G>T (p.Val759Phe)

Gene: COL11A2 (collagen type XI alpha 2 chain; minus strand). Cytogenetic location: 6p21.32.
Variant type: single nucleotide variant.
Coding change: c.2275G>T on transcript NM_080680.3 (MANE Select); coding-DNA position 2275, G replaced by T.
Protein change: p.Val759Phe; replaces valine 759 with phenylalanine.
Molecular consequence: missense variant.
Genome position (GRCh38, 1-based): chr6:33,175,675, C>A on the plus strand (G>T on the coding strand, the complement: COL11A2 is on the minus strand). VCF-style: chr6-33175675-C-A. GRCh37 (hg19) VCF-style: chr6-33143452-C-A.
Other names: c.2095G>T, p.Val699Phe (NM_001424108.1); c.1429G>T, p.Val477Phe (NM_001424109.1); c.1249G>T, p.Val417Phe (NM_001424110.1, NM_001424111.1); c.229G>T, p.Val77Phe (NM_001424112.1); c.1954G>T, p.Val652Phe (NM_080679.3); c.2017G>T, p.Val673Phe (NM_080681.3); short protein forms V417F, V759F, V652F, V77F, V477F, V673F, V699F.
Identifiers: ClinVar variation 2966394 (VCV002966394.3), dbSNP rs2535043912, ClinGen allele CA363647635.
Genomic context (GRCh38, chr6:33,175,675, plus strand): 5'-GTCCAGTGCGTCCCTTTGGCCCCTCAGGACCATCCTCTCCCCTGGAACCAGGGACTCCAA[C>A]TTCGCCCTGTGTGAGAGGGAAGGACAGGTGAGTGCTGGGGACTGGAGGTGGGCTCTGGGC-3'
Protein context (NP_542411.2, residues 749-769): DIGVKGDRGE[Val759Phe]GVPGSRGEDG

ClinVar aggregate classification (germline): Uncertain significance (1 of 4 stars; one submission).

Submission:

Labcorp Genetics (formerly Invitae), Labcorp
Classification: Uncertain significance. Last evaluated: 2022-11-14. Review status: criteria provided, single submitter. Criteria: Invitae Variant Classification Sherloc (09022015). Collection method: clinical testing. Allele origin: germline.
Comment: This sequence change replaces valine, which is neutral and non-polar, with phenylalanine, which is neutral and non-polar, at codon 759 of the COL11A2 protein (p.Val759Phe). This variant is not present in population databases (gnomAD no frequency). This variant has not been reported in the literature in individuals affected with COL11A2-related conditions. Advanced modeling of protein sequence and biophysical properties (such as structural, functional, and spatial information, amino acid conservation, physicochemical variation, residue mobility, and thermodynamic stability) performed at Invitae indicates that this missense variant is not expected to disrupt COL11A2 protein function. In summary, the available evidence is currently insufficient to determine the role of this variant in disease. Therefore, it has been classified as a Variant of Uncertain Significance.